The following is an entry in ClinVar:

ClinVar aggregate classification (germline): Conflicting classifications of pathogenicity. Review status: criteria provided, conflicting classifications (1 of 4 stars). 9 submissions from 9 submitters: Uncertain significance (3); Benign (1); Likely benign (4). 1 of the submissions does not count toward it. Last evaluated 2026-01-28.

Conditions:
Medulloblastoma (MDB). Also called: Medulloblastoma, somatic; MEDULLOBLASTOMA PREDISPOSITION SYNDROME. Identifiers: Orphanet 616, MedGen C0025149, MeSH D008527, MONDO:0007959, OMIM 155255, HP:0002885.
Gorlin syndrome. Also called: Nevoid Basal Cell Carcinoma Syndrome; Basal cell nevus syndrome. Identifiers: Orphanet 377, MedGen C0004779, MONDO:0007187.
SUFU-related disorder. Also called: SUFU-related condition; SUFU-related disorders.
Hereditary cancer-predisposing syndrome. Also called: Tumor predisposition; Neoplastic Syndromes, Hereditary; Hereditary Cancer Syndrome; Hereditary neoplastic syndrome. Identifiers: Orphanet 140162, MedGen C0027672, MeSH D009386, MONDO:0015356.

Allele frequency attached by ClinVar (database versions not stated): 1000 Genomes Project 30x 0.00047; 1000 Genomes Project 0.00060; gnomAD 0.00072 and 0.00078; TOPMed 0.00078; ESP Exome Variant Server 0.00100.
gnomAD v4.1: 244 of 1,614,174 alleles (0.015%); highest among the groups gnomAD compares: African/African-American, 0.29%; no homozygotes.

Submissions (9):

Labcorp Genetics (formerly Invitae), Labcorp
Classification: Likely benign for Gorlin syndrome; Medulloblastoma. Last evaluated: 2026-01-28. Review status: criteria provided, single submitter. Criteria: Invitae Variant Classification Sherloc (09022015). Collection method: clinical testing. Allele origin: germline.

Mayo Clinic Laboratories, Mayo Clinic
Classification: Uncertain significance. Last evaluated: 2025-10-24. Review status: criteria provided, single submitter. Criteria: ACMG Guidelines, 2015. Collection method: clinical testing. Allele origin: germline. Observed: 1 variant allele.
Comment: BS1, PP3_moderate

Center for Genomic Medicine, Rigshospitalet, Copenhagen University Hospital
Classification: Uncertain significance. Last evaluated: 2025-03-04. Review status: criteria provided, single submitter. Criteria: ACMG Guidelines, 2015. Collection method: clinical testing. Allele origin: germline.

ARUP Laboratories, Molecular Genetics and Genomics, ARUP Laboratories
Classification: Likely benign. Last evaluated: 2023-09-18. Review status: criteria provided, single submitter. Criteria: ARUP Molecular Germline Variant Investigation Process 2024. Collection method: clinical testing. Allele origin: germline.

Ambry Genetics
Classification: Benign for Hereditary cancer-predisposing syndrome. Last evaluated: 2023-07-05. Review status: criteria provided, single submitter. Criteria: Ambry Variant Classification Scheme 2023. Collection method: clinical testing. Allele origin: germline.

GeneDx
Classification: Uncertain significance. Last evaluated: 2022-03-25. Review status: criteria provided, single submitter. Criteria: GeneDx Variant Classification Process June 2021. Collection method: clinical testing. Allele origin: germline. Affected: yes.
Comment: In silico analysis supports that this missense variant has a deleterious effect on protein structure/function; Observed in an individual with chordoma (Yepes 2021); This variant is associated with the following publications: (PMID: 24311597, 34070849, 25589003)

Genetic Services Laboratory, University of Chicago
Classification: Likely benign. Last evaluated: 2021-10-12. Review status: criteria provided, single submitter. Criteria: ACMG Guidelines, 2015. Collection method: clinical testing. Allele origin: germline. Affected: no.

Sema4
Classification: Likely benign for Hereditary cancer-predisposing syndrome. Last evaluated: 2021-06-24. Review status: criteria provided, single submitter. Criteria: Sema4 Curation Guidelines. Collection method: curation. Allele origin: germline.

PreventionGenetics, part of Exact Sciences
Classification: Likely benign for SUFU-related condition. Last evaluated: 2022-02-03. Review status: no assertion criteria provided. Collection method: clinical testing. Allele origin: germline. Not counted in ClinVar's aggregate classification.
Comment: This variant is classified as likely benign based on ACMG/AMP sequence variant interpretation guidelines (Richards et al. 2015 PMID: 25741868, with internal and published modifications).

NM_016169.4(SUFU):c.412G>A (p.Ala138Thr)

Gene: SUFU (SUFU negative regulator of hedgehog signaling; plus strand). Cytogenetic location: 10q24.32.
Variant type: single nucleotide variant.
Coding change: c.412G>A on transcript NM_016169.4 (MANE Select); coding-DNA position 412, G replaced by A.
Protein change: p.Ala138Thr; replaces alanine 138 with threonine.
Molecular consequence: missense variant.
Genome position (GRCh38, 1-based): chr10:102,550,064, G>A. VCF-style: chr10-102550064-G-A. GRCh37 (hg19) VCF-style: chr10-104309821-G-A.
Other names: p.Ala138Thr; c.412G>A, p.Ala138Thr (NM_001178133.2); short protein forms A138T.
Identifiers: ClinVar variation 413906 (VCV000413906.27), dbSNP rs34406289, ClinGen allele CA5667668.